The following is an entry in ClinVar:

NM_006767.4(LZTR1):c.2101C>T (p.Pro701Ser)

Gene: LZTR1 (leucine zipper like post translational regulator 1; plus strand). Cytogenetic location: 22q11.21.
Variant type: single nucleotide variant.
Coding change: c.2101C>T on transcript NM_006767.4 (MANE Select); coding-DNA position 2101, C replaced by T.
Protein change: p.Pro701Ser; replaces proline 701 with serine.
Molecular consequence: missense variant.
Genome position (GRCh38, 1-based): chr22:20,995,994, C>T. VCF-style: chr22-20995994-C-T. GRCh37 (hg19) VCF-style: chr22-21350283-C-T.
Other names: short protein forms P701S.
Identifiers: ClinVar variation 1483699 (VCV001483699.14), dbSNP rs1215936951, ClinGen allele CA410779309.

ClinVar aggregate classification (germline): Uncertain significance. Review status: criteria provided, multiple submitters, no conflicts (2 of 4 stars). 5 submissions from 5 submitters: Uncertain significance (5). Last evaluated 2026-10-01.

Conditions:
Hereditary cancer-predisposing syndrome. Also called: Hereditary Cancer Syndrome; Hereditary neoplastic syndrome; Tumor predisposition; Neoplastic Syndromes, Hereditary. Identifiers: Orphanet 140162, MedGen C0027672, MeSH D009386, MONDO:0015356.
Cardiovascular phenotype. Identifiers: MedGen CN230736.
Noonan syndrome 10 (NS10). Identifiers: Orphanet 648, MedGen C4225280, MONDO:0014693, OMIM 616564.
LZTR1-related schwannomatosis. Also called: Schwannomatosis-2, susceptibility to; Schwannomatosis 2. Identifiers: Orphanet 93921, MedGen C3810283, MONDO:0014299, OMIM 615670.

Allele frequency attached by ClinVar (database versions not stated): gnomAD 0.00001; TOPMed 0.00002.
gnomAD v4.1: 8 of 1,613,636 alleles (0.0005%); highest among the groups gnomAD compares: Non-Finnish European, 0.00059%; no homozygotes.

Submissions (5):

St. Jude Molecular Pathology, St. Jude Children's Research Hospital
Classification: Uncertain significance for Noonan syndrome 10. Last evaluated: 2026-10-01. Review status: criteria provided, single submitter. Criteria: St. Jude Assertion Criteria 2020. Collection method: clinical testing. Allele origin: germline.
Comment: The LZTR1 c.2101C>T p.(Pro701Ser) missense change is absent in gnomAD v2.1.1. The in silico tool REVEL is inconclusive about a pathogenic or benign effect of this variant on protein function, and to our knowledge functional studies have not been performed. T o our knowledge, this variant has not been reported in individuals with Noonan syndrome or schwannomatosis. In summary, the evidence currently available is insufficient to determine the clinical significance of this variant. It has therefore been classified as of uncertain significance.

Labcorp Genetics (formerly Invitae), Labcorp
Classification: Uncertain significance. Last evaluated: 2026-01-13. Review status: criteria provided, single submitter. Criteria: Invitae Variant Classification Sherloc (09022015). Collection method: clinical testing. Allele origin: germline.
Comment: This sequence change replaces proline, which is neutral and non-polar, with serine, which is neutral and polar, at codon 701 of the LZTR1 protein (p.Pro701Ser). This variant is not present in population databases (gnomAD no frequency). This missense change has been observed in individual(s) with LZTR1-related conditions (internal data). In at least one individual the data is consistent with being in trans (on the opposite chromosome) from a pathogenic variant. ClinVar contains an entry for this variant (Variation ID: 1483699). Invitae Evidence Modeling of protein sequence and biophysical properties (such as structural, functional, and spatial information, amino acid conservation, physicochemical variation, residue mobility, and thermodynamic stability) indicates that this missense variant is not expected to disrupt LZTR1 protein function with a negative predictive value of 80%. This variant disrupts the p.Pro701 amino acid residue in LZTR1. Other variant(s) that disrupt this residue have been observed in individuals with LZTR1-related conditions (PMID: 30368668), which suggests that this may be a clinically significant amino acid residue. In summary, the available evidence is currently insufficient to determine the role of this variant in disease. Therefore, it has been classified as a Variant of Uncertain Significance.

Baylor Genetics
Classification: Uncertain significance for LZTR1-related schwannomatosis. Last evaluated: 2023-10-23. Review status: criteria provided, single submitter. Criteria: ACMG Guidelines, 2015. Collection method: clinical testing. Allele origin: unknown.

GeneDx
Classification: Uncertain significance. Last evaluated: 2022-09-28. Review status: criteria provided, single submitter. Criteria: GeneDx Variant Classification Process June 2021. Collection method: clinical testing. Allele origin: germline. Affected: yes.
Comment: Not observed in large population cohorts (gnomAD); In silico analysis supports that this missense variant has a deleterious effect on protein structure/function; Has not been previously published as pathogenic or benign to our knowledge

Ambry Genetics
Classification: Uncertain significance for Cardiovascular phenotype; Hereditary cancer-predisposing syndrome. Last evaluated: 2021-12-16. Review status: criteria provided, single submitter. Criteria: Ambry Variant Classification Scheme 2023. Collection method: clinical testing. Allele origin: germline.
Comment: The p.P701S variant (also known as c.2101C>T), located in coding exon 18 of the LZTR1 gene, results from a C to T substitution at nucleotide position 2101. The proline at codon 701 is replaced by serine, an amino acid with similar properties. This amino acid position is highly conserved in available vertebrate species. In addition, the in silico prediction for this alteration is inconclusive. Since supporting evidence is limited at this time, the clinical significance of this alteration remains unclear.

Literature cited by the submitters: PubMed 30368668 (cited by Labcorp Genetics (formerly Invitae), Labcorp).